The following is an entry in ClinVar:

ClinVar aggregate classification (germline): Likely benign (1 of 4 stars; one submission).

Conditions:
Lynch syndrome 5 (LYNCH5). Also called: Colorectal cancer, hereditary nonpolyposis, type 5; Hereditary non-polyposis colorectal cancer, type 5. Identifiers: Orphanet 144, MedGen C1833477, MONDO:0013710, OMIM 614350. Disease mechanism: loss of function.

Submission:

Myriad Genetics, Inc.
Classification: Likely benign for Lynch syndrome 5. Last evaluated: 2024-12-17. Review status: criteria provided, single submitter. Criteria: Myriad Autosomal Dominant, Autosomal Recessive and X-Linked Classification Criteria (2023). Collection method: clinical testing. Allele origin: unknown.
Comment: This variant is considered likely benign. Homozygosity for this variant has been confirmed in one or more individuals lacking clinical features consistent with gene-specific recessive disease, indicating that this variant is unlikely to be pathogenic.

NM_000179.3(MSH6):c.170_171insTGGTCC (p.Pro57_Arg58insGlyPro)

Gene: MSH6 (mutS homolog 6; plus strand). Cytogenetic location: 2p16.3.
Variant type: Insertion.
Coding change: c.170_171insTGGTCC on transcript NM_000179.3 (MANE Select); coding-DNA positions 170 to 171, TGGTCC inserted.
Protein change: p.Pro57_Arg58insGlyPro.
Molecular consequence: inframe insertion. On other transcripts: 5 prime UTR variant (7), non-coding transcript variant (5), intron variant (5).
Genome position: GRCh38 VCF-style: chr2-47783401-G-GCCTGGT. GRCh37 (hg19) VCF-style: chr2-48010540-G-GCCTGGT.
Other names: c.170_171insTGGTCC, p.Pro57_Arg58insGlyPro (NM_001281492.2, NM_001406795.1, NM_001406796.1 and 9 more transcripts); c.-567_-566insTGGTCC (NM_001281493.2, NM_001406811.1); c.-159_-158insTGGTCC (NM_001406799.1); c.115_116insTGGTCC, p.Gly38_Pro39insLeuVal (NM_001406804.1); c.-759_-758insTGGTCC (NM_001406807.1); c.-414_-413insTGGTCC (NM_001406812.1); c.-825_-824insTGGTCC (NM_001406814.1); c.-370_-369insTGGTCC (NM_001406816.1); and 3 more.
Identifiers: ClinVar variation 3904268 (VCV003904268.1).